The following is an entry in ClinVar:

ClinVar aggregate classification (germline): Uncertain significance (1 of 4 stars; one submission).

Allele frequency attached by ClinVar (database versions not stated): gnomAD exomes below 0.00001; TOPMed below 0.00001; gnomAD 0.00001.
gnomAD v4.1: 2 of 1,614,016 alleles (0.00012%); highest among the groups gnomAD compares: Non-Finnish European, 0.00017%; no homozygotes.

Submission:

Labcorp Genetics (formerly Invitae), Labcorp
Classification: Uncertain significance. Last evaluated: 2023-06-04. Review status: criteria provided, single submitter. Criteria: Invitae Variant Classification Sherloc (09022015). Collection method: clinical testing. Allele origin: germline.
Comment: In summary, the available evidence is currently insufficient to determine the role of this variant in disease. Therefore, it has been classified as a Variant of Uncertain Significance. An algorithm developed to predict the effect of missense changes on protein structure and function (PolyPhen-2) suggests that this variant is likely to be tolerated. This variant has not been reported in the literature in individuals affected with RFWD3-related conditions. This variant is not present in population databases (gnomAD no frequency). This sequence change replaces asparagine, which is neutral and polar, with threonine, which is neutral and polar, at codon 486 of the RFWD3 protein (p.Asn486Thr).

NM_018124.4(RFWD3):c.1457A>C (p.Asn486Thr)

Gene: RFWD3 (ring finger and WD repeat domain 3; minus strand). Cytogenetic location: 16q23.1.
Variant type: single nucleotide variant.
Coding change: c.1457A>C on transcript NM_018124.4 (MANE Select); coding-DNA position 1457, A replaced by C.
Protein change: p.Asn486Thr; replaces asparagine 486 with threonine.
Molecular consequence: missense variant.
Genome position (GRCh38, 1-based): chr16:74,632,643, T>G on the plus strand (A>C on the coding strand, the complement: RFWD3 is on the minus strand). VCF-style: chr16-74632643-T-G. GRCh37 (hg19) VCF-style: chr16-74666541-T-G.
Other names: c.1457A>C, p.Asn486Thr (NM_001370534.1, NM_001370535.1, NM_001370536.1); c.623A>C, p.Asn208Thr (NM_001370537.1, NM_001370539.1, NM_001370540.1 and 3 more transcripts); short protein forms N208T, N486T.
Identifiers: ClinVar variation 2838327 (VCV002838327.3), dbSNP rs1349107071, ClinGen allele CA396760756.